The following is an entry in ClinVar:

ClinVar aggregate classification (germline): Benign/Likely benign. Review status: criteria provided, multiple submitters, no conflicts (2 of 4 stars). 7 submissions from 7 submitters: Benign (1); Likely benign (5). 1 of the submissions does not count toward it. Last evaluated 2026-01-28.

Conditions:
Birt-Hogg-Dube syndrome 1 (BHD1). Also called: FIBROFOLLICULOMAS WITH TRICHODISCOMAS AND ACROCHORDONS. Identifiers: Orphanet 122, MedGen CN375946, MONDO:0800445, OMIM 135150.
FLCN-related disorder. Also called: FLCN-related condition.
Hereditary cancer-predisposing syndrome. Also called: Tumor predisposition; Hereditary Cancer Syndrome; Neoplastic Syndromes, Hereditary; Hereditary neoplastic syndrome. Identifiers: Orphanet 140162, MedGen C0027672, MeSH D009386, MONDO:0015356.
Birt-Hogg-Dube syndrome. Also called: Birt Hogg Dubé syndrome. Identifiers: Orphanet 122, MedGen C0346010, MONDO:0800444.

Allele frequency attached by ClinVar (database versions not stated): gnomAD 0.00001; TOPMed 0.00002; ExAC 0.00003; gnomAD exomes 0.00003 and 0.00005.
gnomAD v4.1: 73 of 1,613,292 alleles (0.0045%); highest among the groups gnomAD compares: Non-Finnish European, 0.0053%; no homozygotes.

Submissions (7):

Labcorp Genetics (formerly Invitae), Labcorp
Classification: Likely benign for Birt-Hogg-Dube syndrome. Last evaluated: 2026-01-28. Review status: criteria provided, single submitter. Criteria: Invitae Variant Classification Sherloc (09022015). Collection method: clinical testing. Allele origin: germline.

CeGaT Center for Human Genetics Tuebingen
Classification: Likely benign. Last evaluated: 2026-01-01. Review status: criteria provided, single submitter. Criteria: CeGaT Center For Human Genetics Tuebingen Variant Classification Criteria Version 2. Collection method: clinical testing. Allele origin: germline. Affected: yes. Observed: 2 variant alleles.
Comment: FLCN: BP4, BP7

Center for Genomic Medicine, Rigshospitalet, Copenhagen University Hospital
Classification: Likely benign. Last evaluated: 2025-03-04. Review status: criteria provided, single submitter. Criteria: ACMG Guidelines, 2015. Collection method: clinical testing. Allele origin: germline.

Myriad Genetics, Inc.
Classification: Benign for Birt-Hogg-Dube syndrome 1. Last evaluated: 2024-10-22. Review status: criteria provided, single submitter. Criteria: Myriad Autosomal Dominant, Autosomal Recessive and X-Linked Classification Criteria (2023). Collection method: clinical testing. Allele origin: unknown.
Comment: This variant is considered benign. This variant is a silent/synonymous amino acid change and it is not expected to impact splicing.

GeneDx
Classification: Likely benign. Last evaluated: 2018-01-23. Review status: criteria provided, single submitter. Criteria: GeneDx Variant Classification (06012015). Collection method: clinical testing. Allele origin: germline. Affected: yes.
Comment: This variant is considered likely benign or benign based on one or more of the following criteria: it is a conservative change, it occurs at a poorly conserved position in the protein, it is predicted to be benign by multiple in silico algorithms, and/or has population frequency not consistent with disease.

Ambry Genetics
Classification: Likely benign for Hereditary cancer-predisposing syndrome. Last evaluated: 2017-09-13. Review status: criteria provided, single submitter. Criteria: Ambry Variant Classification Scheme 2023. Collection method: clinical testing. Allele origin: germline.

PreventionGenetics, part of Exact Sciences
Classification: Likely benign for FLCN-related condition. Last evaluated: 2022-02-03. Review status: no assertion criteria provided. Collection method: clinical testing. Allele origin: germline. Not counted in ClinVar's aggregate classification.
Comment: This variant is classified as likely benign based on ACMG/AMP sequence variant interpretation guidelines (Richards et al. 2015 PMID: 25741868, with internal and published modifications).

NM_144997.7(FLCN):c.42C>T (p.His14=)

Gene: FLCN (folliculin; minus strand). Cytogenetic location: 17p11.2.
Variant type: single nucleotide variant.
Coding change: c.42C>T on transcript NM_144997.7 (MANE Select); coding-DNA position 42, C replaced by T.
Protein change: p.His14=; no amino-acid change (histidine 14 retained).
Molecular consequence: synonymous variant.
Genome position (GRCh38, 1-based): chr17:17,228,096, G>A on the plus strand (C>T on the coding strand, the complement: FLCN is on the minus strand). VCF-style: chr17-17228096-G-A. GRCh37 (hg19) VCF-style: chr17-17131410-G-A.
Other names: c.42C>T (LRG_325t1); c.42C>T, p.His14= (NM_001353229.2, NM_001353230.2, NM_001353231.2 and 1 more transcripts).
Identifiers: ClinVar variation 241924 (VCV000241924.42), dbSNP rs766288960, ClinGen allele CA8416536.